The following is an entry in ClinVar:

ClinVar aggregate classification (germline): Uncertain significance (1 of 4 stars; one submission).

Submission:

Labcorp Genetics (formerly Invitae), Labcorp
Classification: Uncertain significance. Last evaluated: 2025-08-16. Review status: criteria provided, single submitter. Criteria: Invitae Variant Classification Sherloc (09022015). Collection method: clinical testing. Allele origin: germline.
Comment: This sequence change replaces alanine, which is neutral and non-polar, with threonine, which is neutral and polar, at codon 574 of the RASGRP2 protein (p.Ala574Thr). This variant is present in population databases (rs532620789, gnomAD 0.01%). This variant has not been reported in the literature in individuals affected with RASGRP2-related conditions. An algorithm developed to predict the effect of missense changes on protein structure and function outputs the following: PolyPhen-2: "Benign". The threonine amino acid residue is found in multiple mammalian species, which suggests that this missense change does not adversely affect protein function. In summary, the available evidence is currently insufficient to determine the role of this variant in disease. Therefore, it has been classified as a Variant of Uncertain Significance.

NM_001098671.2(RASGRP2):c.1720G>A (p.Ala574Thr)

Gene: RASGRP2 (RAS guanyl releasing protein 2; minus strand). Cytogenetic location: 11q13.1.
Variant type: single nucleotide variant.
Coding change: c.1720G>A on transcript NM_001098671.2 (MANE Select); coding-DNA position 1720, G replaced by A.
Protein change: p.Ala574Thr; replaces alanine 574 with threonine.
Molecular consequence: missense variant.
Genome position (GRCh38, 1-based): chr11:64,728,914, C>T on the plus strand (G>A on the coding strand, the complement: RASGRP2 is on the minus strand). VCF-style: chr11-64728914-C-T. GRCh37 (hg19) VCF-style: chr11-64496386-C-T.
Other names: c.1720G>A, p.Ala574Thr (NM_001098670.2, NM_001440690.1, NM_001440691.1 and 9 more transcripts); c.1285G>A, p.Ala429Thr (NM_001318398.2); c.1717G>A, p.Ala573Thr (NM_001440700.1, NM_001440701.1, NM_001440702.1); c.1807G>A, p.Ala603Thr (NM_001440703.1, NM_001440704.1); c.1804G>A, p.Ala602Thr (NM_001440705.1); short protein forms A573T, A429T, A574T, A602T, A603T.
Identifiers: ClinVar variation 4747911 (VCV004747911.1).